The following is an entry in ClinVar:

NM_201384.3(PLEC):c.3457C>A (p.Leu1153Met)

Gene: PLEC (plectin; minus strand). Cytogenetic location: 8q24.3.
Variant type: single nucleotide variant.
Coding change: c.3457C>A on transcript NM_201384.3 (MANE Select); coding-DNA position 3457, C replaced by A.
Protein change: p.Leu1153Met; replaces leucine 1153 with methionine.
Molecular consequence: missense variant.
Genome position (GRCh38, 1-based): chr8:143,927,709, G>T on the plus strand (C>A on the coding strand, the complement: PLEC is on the minus strand). VCF-style: chr8-143927709-G-T. GRCh37 (hg19) VCF-style: chr8-145001877-G-T.
Other names: c.3538C>A, p.Leu1180Met (NM_000445.5, NM_001410941.1); c.3415C>A, p.Leu1139Met (NM_201378.4); c.3391C>A, p.Leu1131Met (NM_201379.3); c.3868C>A, p.Leu1290Met (NM_201380.4); c.3361C>A, p.Leu1121Met (NM_201381.3); c.3457C>A, p.Leu1153Met (NM_201382.4); c.3469C>A, p.Leu1157Met (NM_201383.3); short protein forms L1121M, L1131M, L1139M, L1153M, L1157M, L1180M, L1290M.
Identifiers: ClinVar variation 1718798 (VCV001718798.6), dbSNP rs1289830071, ClinGen allele CA372566021.

ClinVar aggregate classification (germline): Uncertain significance (1 of 4 stars; one submission).

Conditions:
Epidermolysis bullosa simplex 5C, with pyloric atresia (EBS5C). Also called: PLEC-Related Epidermolysis Bullosa with Pyloric Atresia; Epidermolysis bullosa simplex with pyloric atresia; PLEC1-Related Epidermolysis Bullosa with Pyloric Atresia. Identifiers: Orphanet 158684, MedGen C2677349, MONDO:0012807, OMIM 612138.
Autosomal recessive limb-girdle muscular dystrophy type 2Q (LGMDR17). Also called: MUSCULAR DYSTROPHY, LIMB-GIRDLE, AUTOSOMAL RECESSIVE 17. Identifiers: Orphanet 254361, MedGen C3150989, MONDO:0013390, OMIM 613723.
Epidermolysis bullosa simplex 5B, with muscular dystrophy (EBS5B). Also called: Epidermolysis bullosa simplex with muscular dystrophy; EPIDERMOLYSIS BULLOSA SIMPLEX AND LIMB-GIRDLE MUSCULAR DYSTROPHY. Identifiers: Orphanet 257, MedGen C2931072, MONDO:0009181, OMIM 226670.
Epidermolysis bullosa simplex, Ogna type (EBS5A). Also called: EPIDERMOLYSIS BULLOSA SIMPLEX 5A, OGNA TYPE; Pidermolysis bullosa simplex 5A, Ogna type. Identifiers: Orphanet 79401, MedGen C0432317, MONDO:0007555, OMIM 131950.
Epidermolysis bullosa simplex with nail dystrophy (EBS5D). Identifiers: MedGen C4225309, MONDO:0014661, OMIM 616487.

Submission:

Labcorp Genetics (formerly Invitae), Labcorp
Classification: Uncertain significance for Autosomal recessive limb-girdle muscular dystrophy type 2Q; Epidermolysis bullosa simplex, Ogna type; Epidermolysis bullosa simplex with nail dystrophy; Epidermolysis bullosa simplex 5C, with pyloric atresia; Epidermolysis bullosa simplex 5B, with muscular dystrophy. Last evaluated: 2022-09-13. Review status: criteria provided, single submitter. Criteria: Invitae Variant Classification Sherloc (09022015). Collection method: clinical testing. Allele origin: germline.
Comment: In summary, the available evidence is currently insufficient to determine the role of this variant in disease. Therefore, it has been classified as a Variant of Uncertain Significance. Advanced modeling of protein sequence and biophysical properties (such as structural, functional, and spatial information, amino acid conservation, physicochemical variation, residue mobility, and thermodynamic stability) performed at Invitae indicates that this missense variant is not expected to disrupt PLEC protein function. This variant has not been reported in the literature in individuals affected with PLEC-related conditions. This variant is not present in population databases (gnomAD no frequency). This sequence change replaces leucine, which is neutral and non-polar, with methionine, which is neutral and non-polar, at codon 1180 of the PLEC protein (p.Leu1180Met).